The following is an entry in ClinVar:

ClinVar aggregate classification (germline): Uncertain significance (1 of 4 stars; one submission).

Submission:

Labcorp Genetics (formerly Invitae), Labcorp
Classification: Uncertain significance. Last evaluated: 2022-11-28. Review status: criteria provided, single submitter. Criteria: Invitae Variant Classification Sherloc (09022015). Collection method: clinical testing. Allele origin: germline.
Comment: This sequence change replaces phenylalanine, which is neutral and non-polar, with isoleucine, which is neutral and non-polar, at codon 443 of the SLC7A14 protein (p.Phe443Ile). This variant is not present in population databases (gnomAD no frequency). This variant has not been reported in the literature in individuals affected with SLC7A14-related conditions. Algorithms developed to predict the effect of missense changes on protein structure and function (SIFT, PolyPhen-2, Align-GVGD) all suggest that this variant is likely to be tolerated. In summary, the available evidence is currently insufficient to determine the role of this variant in disease. Therefore, it has been classified as a Variant of Uncertain Significance.

NM_020949.3(SLC7A14):c.1327T>A (p.Phe443Ile)

Genes: SLC7A14 (solute carrier family 7 member 14; minus strand), SLC7A14-AS1 (SLC7A14 antisense RNA 1; plus strand). Cytogenetic location: 3q26.2.
Variant type: single nucleotide variant.
Coding change: c.1327T>A on transcript NM_020949.3 (MANE Select); coding-DNA position 1327, T replaced by A.
Protein change: p.Phe443Ile; replaces phenylalanine 443 with isoleucine.
Molecular consequence: missense variant.
Genome position (GRCh38, 1-based): chr3:170,480,955, A>T on the plus strand (T>A on the coding strand, the complement: SLC7A14 is on the minus strand). VCF-style: chr3-170480955-A-T. GRCh37 (hg19) VCF-style: chr3-170198744-A-T.
Other names: short protein forms F443I.
Identifiers: ClinVar variation 2817121 (VCV002817121.3), dbSNP rs2473368016, ClinGen allele CA355490723.
Genomic context (GRCh38, chr3:170,480,955, plus strand): 5'-CTTCCTTCTCACAGTCAGCCAGAATGCCCTCCTTCTTCTTGGTGTGCTCCTCAGACAAGA[A>T]CTTGACAAAACCATCAATGTCACTCTCAGGTTGGTATCGAAGGAGCAAGACACAGACAGA-3'
Protein context (NP_066000.2, residues 433-453): PESDIDGFVK[Phe443Ile]LSEEHTKKKE